The following is an entry in ClinVar:

ClinVar aggregate classification (germline): Pathogenic/Likely pathogenic. Review status: criteria provided, multiple submitters, no conflicts (2 of 4 stars). 4 submissions from 4 submitters: Pathogenic (2); Likely pathogenic (1). 1 of the submissions does not count toward it. Last evaluated 2021-11-07.

Conditions:
Ornithine carbamoyltransferase deficiency (OTCD). Also called: OTC DEFICIENCY; Ornithine Carbamoyltransferase Deficiency Disease; ORNITHINE TRANSCARBAMYLASE DEFICIENCY; ORNITHINE TRANSCARBAMYLASE DEFICIENCY, HYPERAMMONEMIA DUE TO. Identifiers: Orphanet 664, MedGen C0268542, MONDO:0010703, OMIM 311250.

Submissions (4):

Genome-Nilou Lab
Classification: Pathogenic for Ornithine carbamoyltransferase deficiency. Last evaluated: 2021-11-07. Review status: criteria provided, single submitter. Criteria: ACMG Guidelines, 2015. Collection method: clinical testing. Allele origin: germline. Affected: no.

CeGaT Center for Human Genetics Tuebingen
Classification: Pathogenic. Last evaluated: 2017-01-01. Review status: criteria provided, single submitter. Criteria: CeGaT Center For Human Genetics Tuebingen Variant Classification Criteria Version 2. Collection method: clinical testing. Allele origin: germline. Affected: yes. Observed: 1 variant allele.

GeneDx
Classification: Likely pathogenic. Last evaluated: 2016-05-26. Review status: criteria provided, single submitter. Criteria: GeneDx Variant Classification (06012015). Collection method: clinical testing. Allele origin: germline. Affected: yes.

GenMed Metabolism Lab
Classification: Pathogenic. Review status: no assertion criteria provided. Collection method: not provided. Allele origin: unknown. Not counted in ClinVar's aggregate classification.
Comment: p.Asn199Ser, Neonatal
ClinVar note: Converted during submission from pathogenic to Pathogenic.

NM_000531.6(OTC):c.596A>G (p.Asn199Ser)

Gene: OTC (ornithine transcarbamylase; plus strand). Cytogenetic location: Xp11.4.
Variant type: single nucleotide variant.
Coding change: c.596A>G on transcript NM_000531.6 (MANE Select); coding-DNA position 596, A replaced by G.
Protein change: p.Asn199Ser; replaces asparagine 199 with serine.
Molecular consequence: missense variant.
Genome position (GRCh38, 1-based): chrX:38,403,673, A>G. VCF-style: chrX-38403673-A-G. GRCh37 (hg19) VCF-style: chrX-38262926-A-G.
Other names: short protein forms N199S.
Identifiers: ClinVar variation 97265 (VCV000097265.45), dbSNP rs72558406, ClinGen allele CA224702.